The following is an entry in ClinVar:

NM_000260.4(MYO7A):c.1845del (p.Lys615fs)

Gene: MYO7A (myosin VIIA; plus strand). Cytogenetic location: 11q13.5.
Variant type: Deletion.
Coding change: c.1845del on transcript NM_000260.4 (MANE Select); coding-DNA position 1845, one base deleted (G; older notation c.1845delG).
Protein change: p.Lys615fs; shifts the reading frame from lysine 615.
Molecular consequence: frameshift variant.
Genome position (GRCh38, 1-based): chr11:77,172,795, G deleted. VCF-style (leftmost placement, unchanged base first): chr11-77172794-AG-A. GRCh37 (hg19) VCF-style: chr11-76883840-AG-A.
Other names: c.1845del, p.Lys615fs (NM_001127180.2); c.1812del, p.Lys604fs (NM_001369365.1); short protein forms K615fs, K604fs.
Identifiers: ClinVar variation 218192 (VCV000218192.2), dbSNP rs886037762, ClinGen allele CA10575818.

ClinVar aggregate classification (germline): Pathogenic (0 of 4 stars; one submission).

Conditions:
Usher syndrome type 1 (USH1). Also called: RETINITIS PIGMENTOSA AND CONGENITAL DEAFNESS. Identifiers: Orphanet 231169, Orphanet 886, MedGen C1568247, MONDO:0010168, OMIM 276900.

Submission:

Centre de Biotechnologie de Sfax, Université de Sfax
Classification: Pathogenic for Usher syndrome type 1. Last evaluated: 2015-04-01. Review status: no assertion criteria provided. Collection method: research. Allele origin: inherited. Affected: yes. Observed: 4 variant alleles.
Comment: This mutation leads to a premature stop codon at position 615 (p.Lys615Asnfs*6) with probably a loss of 72% of the C-terminal region of the protein.

Literature cited by the submitters: PubMed 27440999.